The following is an entry in ClinVar:

NM_000090.4(COL3A1):c.490G>T (p.Val164Leu)

Gene: COL3A1 (collagen type III alpha 1 chain; plus strand). Cytogenetic location: 2q32.2.
Variant type: single nucleotide variant.
Coding change: c.490G>T on transcript NM_000090.4 (MANE Select); coding-DNA position 490, G replaced by T.
Protein change: p.Val164Leu; replaces valine 164 with leucine.
Molecular consequence: missense variant.
Genome position (GRCh38, 1-based): chr2:188,987,101, G>T. VCF-style: chr2-188987101-G-T. GRCh37 (hg19) VCF-style: chr2-189851827-G-T.
Other names: short protein forms V164L.
Identifiers: ClinVar variation 4756370 (VCV004756370.1).

ClinVar aggregate classification (germline): Uncertain significance (1 of 4 stars; one submission).

Conditions:
Familial thoracic aortic aneurysm and aortic dissection (TAAD). Also called: Thoracic aortic aneurysms and dissections. Identifiers: Orphanet 91387, MedGen C4707243, MONDO:0019625.

Submission:

Color Diagnostics, LLC DBA Color Health
Classification: Uncertain significance for Familial thoracic aortic aneurysm and aortic dissection. Last evaluated: 2025-12-15. Review status: criteria provided, single submitter. Criteria: ACMG Guidelines, 2015. Collection method: clinical testing. Allele origin: germline.
Comment: This missense variant replaces valine with leucine at codon 164 of the COL3A1 protein. Computational prediction suggests that this variant may not impact protein structure and function. To our knowledge, functional studies have not been reported for this variant. This variant has not been reported in individuals affected with COL3A1-related disorders in the literature. This variant has not been identified in the general population by the Genome Aggregation Database (gnomAD). The available evidence is insufficient to determine the role of this variant in disease conclusively. Therefore, this variant is classified as a Variant of Uncertain Significance.